The following is an entry in ClinVar:

ClinVar aggregate classification (germline): Benign. Review status: criteria provided, multiple submitters, no conflicts (2 of 4 stars). 3 submissions from 3 submitters: Benign (2). 1 of the submissions does not count toward it. Last evaluated 2026-02-03.

Conditions:
MESP1-related disorder. Also called: MESP1-related condition.

Allele frequency attached by ClinVar (database versions not stated): ESP Exome Variant Server 0.19477; 1000 Genomes Project 0.20048; gnomAD exomes 0.21787; TOPMed 0.25025; gnomAD 0.25600 and 0.25596; 1000 Genomes Project 30x 0.20503; ExAC 0.31701.
gnomAD v4.1: 421,958 of 1,465,286 alleles (29%); highest among the groups gnomAD compares: Middle Eastern, 40%; 62,707 homozygotes.

Submissions (3):

Labcorp Genetics (formerly Invitae), Labcorp
Classification: Benign. Last evaluated: 2026-02-03. Review status: criteria provided, single submitter. Criteria: Invitae Variant Classification Sherloc (09022015). Collection method: clinical testing. Allele origin: germline.

Breakthrough Genomics
Classification: Benign. Review status: criteria provided, single submitter. Criteria: ACMG Guidelines, 2015. Collection method: not provided. Allele origin: germline. Inheritance: Unknown mechanism. Affected: yes.

PreventionGenetics, part of Exact Sciences
Classification: Benign for MESP1-related condition. Last evaluated: 2019-11-11. Review status: no assertion criteria provided. Collection method: clinical testing. Allele origin: germline. Not counted in ClinVar's aggregate classification.
Comment: This variant is classified as benign based on ACMG/AMP sequence variant interpretation guidelines (Richards et al. 2015 PMID: 25741868, with internal and published modifications).

NM_018670.4(MESP1):c.669C>G (p.Phe223Leu)

Genes: MESP1 (mesoderm posterior bHLH transcription factor 1; minus strand), LOC130057888 (ATAC-STARR-seq lymphoblastoid silent region 6803; plus strand). Cytogenetic location: 15q26.1.
Variant type: single nucleotide variant.
Coding change: c.669C>G on transcript NM_018670.4 (MANE Select); coding-DNA position 669, C replaced by G.
Protein change: p.Phe223Leu; replaces phenylalanine 223 with leucine.
Molecular consequence: missense variant.
Genome position (GRCh38, 1-based): chr15:89,750,563, G>C on the plus strand (C>G on the coding strand, the complement: MESP1 is on the minus strand). VCF-style: chr15-89750563-G-C. GRCh37 (hg19) VCF-style: chr15-90293794-G-C.
Other names: c.669C>G (NM_018670.3); short protein forms F223L.
Identifiers: ClinVar variation 1629584 (VCV001629584.11), dbSNP rs2305440, ClinGen allele CA7730161.